The following is an entry in ClinVar:

NM_004064.5(CDKN1B):c.355A>G (p.Ile119Val)

Gene: CDKN1B (cyclin dependent kinase inhibitor 1B; plus strand). Cytogenetic location: 12p13.1.
Variant type: single nucleotide variant.
Coding change: c.355A>G on transcript NM_004064.5 (MANE Select); coding-DNA position 355, A replaced by G.
Protein change: p.Ile119Val; replaces isoleucine 119 with valine.
Molecular consequence: missense variant.
Genome position (GRCh38, 1-based): chr12:12,718,194, A>G. VCF-style: chr12-12718194-A-G. GRCh37 (hg19) VCF-style: chr12-12871128-A-G.
Other names: short protein forms I119V.
Identifiers: ClinVar variation 1495980 (VCV001495980.8), dbSNP rs2136356252, ClinGen allele CA383970368.

ClinVar aggregate classification (germline): Uncertain significance (1 of 4 stars; one submission).

Conditions:
Multiple endocrine neoplasia type 4. Also called: MULTIPLE ENDOCRINE NEOPLASIA, TYPE IV. Identifiers: Orphanet 276152, MedGen C1970712, MONDO:0012552, OMIM 610755.

Allele frequency attached by ClinVar (database versions not stated): gnomAD exomes below 0.00001.

Submission:

Labcorp Genetics (formerly Invitae), Labcorp
Classification: Uncertain significance for Multiple endocrine neoplasia type 4. Last evaluated: 2024-02-05. Review status: criteria provided, single submitter. Criteria: Invitae Variant Classification Sherloc (09022015). Collection method: clinical testing. Allele origin: germline.
Comment: This sequence change replaces isoleucine, which is neutral and non-polar, with valine, which is neutral and non-polar, at codon 119 of the CDKN1B protein (p.Ile119Val). This variant is not present in population databases (gnomAD no frequency). This variant has not been reported in the literature in individuals affected with CDKN1B-related conditions. ClinVar contains an entry for this variant (Variation ID: 1495980). Algorithms developed to predict the effect of missense changes on protein structure and function output the following: SIFT: "Not Available"; PolyPhen-2: "Benign"; Align-GVGD: "Not Available". The valine amino acid residue is found in multiple mammalian species, which suggests that this missense change does not adversely affect protein function. In summary, the available evidence is currently insufficient to determine the role of this variant in disease. Therefore, it has been classified as a Variant of Uncertain Significance.